The following is an entry in ClinVar:

ClinVar aggregate classification (germline): Conflicting classifications of pathogenicity. Review status: criteria provided, conflicting classifications (1 of 4 stars). 2 submissions from 2 submitters: Uncertain significance (1); Likely benign (1). Last evaluated 2024-06-04.

Conditions:
Hereditary cancer-predisposing syndrome. Also called: Neoplastic Syndromes, Hereditary; Tumor predisposition; Hereditary Cancer Syndrome; Hereditary neoplastic syndrome. Identifiers: Orphanet 140162, MedGen C0027672, MeSH D009386, MONDO:0015356.
Familial cancer of breast. Also called: BREAST CANCER, FAMILIAL; hereditary breast carcinoma; Hereditary breast cancer. Identifiers: Orphanet 227535, MedGen C0346153, MONDO:0016419, OMIM 114480. Disease mechanism: loss of function.

Submissions (2):

Labcorp Genetics (formerly Invitae), Labcorp
Classification: Uncertain significance for Familial cancer of breast. Last evaluated: 2024-06-04. Review status: criteria provided, single submitter. Criteria: Invitae Variant Classification Sherloc (09022015). Collection method: clinical testing. Allele origin: germline.
Comment: This sequence change replaces aspartic acid, which is acidic and polar, with tyrosine, which is neutral and polar, at codon 525 of the PALB2 protein (p.Asp525Tyr). This variant is not present in population databases (gnomAD no frequency). This variant has not been reported in the literature in individuals affected with PALB2-related conditions. ClinVar contains an entry for this variant (Variation ID: 231292). Advanced modeling of protein sequence and biophysical properties (such as structural, functional, and spatial information, amino acid conservation, physicochemical variation, residue mobility, and thermodynamic stability) performed at Invitae indicates that this missense variant is expected to disrupt PALB2 protein function with a positive predictive value of 80%. In summary, the available evidence is currently insufficient to determine the role of this variant in disease. Therefore, it has been classified as a Variant of Uncertain Significance.

Ambry Genetics
Classification: Likely benign for Hereditary cancer-predisposing syndrome. Last evaluated: 2024-05-09. Review status: criteria provided, single submitter. Criteria: Ambry Variant Classification Scheme 2023. Collection method: clinical testing. Allele origin: germline.

NM_024675.4(PALB2):c.1573G>T (p.Asp525Tyr)

Gene: PALB2 (partner and localizer of BRCA2; minus strand). Cytogenetic location: 16p12.2.
Variant type: single nucleotide variant.
Coding change: c.1573G>T on transcript NM_024675.4 (MANE Select); coding-DNA position 1573, G replaced by T.
Protein change: p.Asp525Tyr; replaces aspartic acid 525 with tyrosine.
Molecular consequence: missense variant.
Genome position (GRCh38, 1-based): chr16:23,634,973, C>A on the plus strand (G>T on the coding strand, the complement: PALB2 is on the minus strand). VCF-style: chr16-23634973-C-A. GRCh37 (hg19) VCF-style: chr16-23646294-C-A.
Other names: short protein forms D525Y.
Identifiers: ClinVar variation 231292 (VCV000231292.13), dbSNP rs876659074, ClinGen allele CA10580007.